The following continues an entry in ClinVar:

NM_032043.3(BRIP1):c.550G>T (p.Asp184Tyr)

Gene: BRIP1. ClinVar aggregate classification (germline): Conflicting classifications of pathogenicity. Uncertain significance (21); Benign (1).

Submissions 7 to 24 of 24:

Dipartimento Di Medicina Di Precisione, Università Degli Studi Della Campania Luigi Vanvitelli
Classification: Benign for Breast-ovarian cancer, familial, susceptibility to, 2. Last evaluated: 2025-07-14. Review status: criteria provided, single submitter. Criteria: ACMG Guidelines, 2015. Collection method: clinical testing. Allele origin: germline. Affected: yes. Observed: 1 heterozygote.
Comment: The variant c.550G>T (p.Asp184Tyr) in the BRIP1 gene is a missense change located in exon 5. Multiple in silico predictive tools support a benign impact on protein function. Additionally, there is no available clinical or functional evidence indicating a pathogenic role for this variant. Based on current data, this variant is classified as benign.

Quest Diagnostics Nichols Institute San Juan Capistrano
Classification: Uncertain significance. Last evaluated: 2025-07-01. Review status: criteria provided, single submitter. Criteria: Quest Diagnostics criteria. Collection method: clinical testing. Allele origin: unknown.
Comment: The BRIP1 c.550G>T (p.Asp184Tyr) variant has been reported in individuals with breast cancer (PMID: 32885271 (2021), 30613976 (2019), 29368626 (2018), 29335925 (2018), 28503720 (2017), 26845104 (2016), 26689913 (2015), 25186627 (2015)), colorectal cancer/suspected Lynch syndrome (PMID: 38781545 (2024), 38060977 (2023), 35534704 (2022), 25980754 (2015)), and prostate cancer (PMID: 29360161 (2018)). In case-control studies, this variant was observed in additional individuals with breast cancer as well as in reportedly unaffected individuals (PMID: 26921362 (2016), 33471991 (2021), see LOVD). A family study suggests this variant is associated with incomplete disease segregation and induces the in-frame skipping of a neighboring small exon, however the effect on BRIP1 protein function was not assessed (PMID: 30230034 (2019)). The frequency of this variant in the general population (Genome Aggregation Database) is uninformative in the assessment of its pathogenicity. Analysis of this variant using bioinformatics tools for the prediction of the effect of amino acid changes on protein structure and function yielded conflicting predictions that this variant is benign or damaging. Based on the available information, we are unable to determine the clinical significance of this variant.

German Consortium for Hereditary Breast and Ovarian Cancer, University Hospital Cologne
Classification: Uncertain significance for Hereditary breast ovarian cancer syndrome. Last evaluated: 2025-03-11. Review status: criteria provided, single submitter. Criteria: ACMG Guidelines, 2015. Collection method: curation. Allele origin: germline.

Institute for Biomarker Research, Medical Diagnostic Laboratories, L.L.C.
Classification: Uncertain significance for Hereditary cancer-predisposing syndrome. Last evaluated: 2025-01-03. Review status: criteria provided, single submitter. Criteria: ACMG Guidelines, 2015. Collection method: clinical testing. Allele origin: germline.
Comment: The missense variant NM_032043.3(BRIP1):c.550G>T (p.Asp184Tyr) has not been reported previously as a pathogenic variant nor as a benign variant, to our knowledge. There is a large physicochemical difference between aspartic acid and tyrosine, which is likely to impact secondary protein structure as these residues differ in polarity, charge, size and/or other properties. The gene BRIP1 contains 18 pathogenic missense variants, indicating that missense variants are a common mechanism of disease in this gene. For these reasons, this variant has been classified as Uncertain Significance

Blueprint Genetics
Classification: Uncertain significance. Last evaluated: 2024-11-22. Review status: criteria provided, single submitter. Criteria: ACMG Guidelines, 2015. Collection method: clinical testing. Allele origin: germline.

GeneDx
Classification: Uncertain significance. Last evaluated: 2024-08-14. Review status: criteria provided, single submitter. Criteria: GeneDx Variant Classification Process June 2021. Collection method: clinical testing. Allele origin: germline. Affected: yes.
Comment: Published functional studies suggest that this variant results in exon 5 skipping due to creation of a splice enhancer site (PMID: 30230034); In silico analysis supports that this missense variant has a deleterious effect on protein structure/function; This variant is associated with the following publications: (PMID: 24755471, 26845104, 26689913, 27498913, 28503720, 25980754, 29335925, 26921362, 26315354, 30230034, 29368626, 31159747, 32756499, 30613976, 33471991, 32885271, 29360161, 35451682, 35534704, 37216690, 35980532)

Molecular Pathology, Peter Maccallum Cancer Centre
Classification: Uncertain significance for Familial ovarian cancer. Last evaluated: 2024-05-28. Review status: criteria provided, single submitter. Criteria: ACMG Guidelines, 2015. Collection method: clinical testing. Allele origin: germline. Inheritance: Autosomal dominant inheritance.

Baylor Genetics
Classification: Uncertain significance for Familial cancer of breast. Last evaluated: 2024-03-28. Review status: criteria provided, single submitter. Criteria: ACMG Guidelines, 2015. Collection method: clinical testing. Allele origin: unknown.

CeGaT Center for Human Genetics Tuebingen
Classification: Uncertain significance. Last evaluated: 2024-01-01. Review status: criteria provided, single submitter. Criteria: CeGaT Center For Human Genetics Tuebingen Variant Classification Criteria Version 2. Collection method: clinical testing. Allele origin: germline. Affected: yes. Observed: 1 variant allele.
Comment: BRIP1: PS3:Supporting, BP1

Myriad Genetics, Inc.
Classification: Uncertain significance for Familial cancer of breast. Last evaluated: 2023-02-28. Review status: criteria provided, single submitter. Criteria: Myriad Autosomal Dominant, Autosomal Recessive and X-Linked Classification Criteria (2023). Collection method: clinical testing. Allele origin: unknown.
Comment: This variant is classified as a variant of uncertain significance as there is insufficient evidence to determine its impact on protein function and/or cancer risk.

Clinical Genetics Laboratory, Skane University Hospital Lund
Classification: Uncertain significance. Last evaluated: 2022-05-27. Review status: criteria provided, single submitter. Criteria: ACMG Guidelines, 2015. Collection method: clinical testing. Allele origin: germline. Affected: yes.

Sema4
Classification: Uncertain significance for Hereditary cancer-predisposing syndrome. Last evaluated: 2022-01-13. Review status: criteria provided, single submitter. Criteria: Sema4 Curation Guidelines. Collection method: curation. Allele origin: germline.
Comment: The BRIP1 c.550G>T (p.D184Y) variant has been reported in heterozygosity in numerous individuals with breast, pancreatic, prostate, and/or a Lynch syndrome-associated cancer (PMID: 30230034, 33471991, 26921362, 29368626, 28503720, 29335925, 30613976, 25186627, 25980754, 26689913, 26845104, 29360161). This variant was identified in one family, where it was found to segregate with the phenotype across two meioses/individuals, however it was also identified in three unaffected females in the family (PMID: 30230034). It was observed in 27/129082 chromosomes of the Non-Finnish European subpopulation, with no homozygotes, in the large and broad cohorts of the Genome Aggregation Database (PMID: 32461654). The variant has been reported in ClinVar (Variation ID 143021). Protein functional studies have not been performed and in silico predictions of the variant's effect on protein function are inconclusive. RNA analyses performed in carriers of this variant showed both a wildtype transcript and a shorter transcript lacking exon 5 (PMID: 30230034). The evidence is insufficient to meet ACMG/AMP criteria for classifying the variant as benign or pathogenic. Thus, the clinical significance of this variant is currently uncertain.

Centre for Mendelian Genomics, University Medical Centre Ljubljana
Classification: Uncertain significance for Fanconi anemia complementation group J. Last evaluated: 2020-01-17. Review status: criteria provided, single submitter. Criteria: ACMG Guidelines, 2015. Collection method: clinical testing. Allele origin: unknown. Affected: yes.
Comment: This variant was classified as: Uncertain significance. The available evidence on this variant's pathogenicity is insufficient or conflicting. The following ACMG criteria were applied in classifying this variant: PS3,PP3.

Fulgent Genetics
Classification: Uncertain significance for Familial cancer of breast; Fanconi anemia complementation group J. Last evaluated: 2018-10-31. Review status: criteria provided, single submitter. Criteria: ACMG Guidelines, 2015. Collection method: clinical testing. Allele origin: unknown.

GeneKor MSA
Classification: Uncertain significance for Hereditary cancer-predisposing syndrome. Last evaluated: 2018-08-01. Review status: criteria provided, single submitter. Criteria: ACMG Guidelines, 2015. Collection method: clinical testing. Allele origin: germline. Affected: yes.

University of Washington Department of Laboratory Medicine, University of Washington
Classification: Uncertain significance for Hereditary cancer-predisposing syndrome. Last evaluated: 2015-11-20. Review status: criteria provided, single submitter. Criteria: Shirts et al. (Genet Med 2016). Collection method: clinical testing. Allele origin: germline. Affected: yes. Observed: 1 variant allele.

Counsyl
Classification: Uncertain significance for Fanconi anemia complementation group J; Ovarian cancer. Last evaluated: 2017-11-29. Review status: no assertion criteria provided. Collection method: clinical testing. Allele origin: unknown. Not counted in ClinVar's aggregate classification.

Department of Pathology and Laboratory Medicine, Sinai Health System
Classification: Uncertain significance for Malignant tumor of breast. Review status: no assertion criteria provided. Collection method: clinical testing. Allele origin: unknown. Affected: yes. Observed: 1 variant allele. Study: The Canadian Open Genetics Repository (COGR). Not counted in ClinVar's aggregate classification.
Comment: The BRIP1 p.Asp184Tyr variant was identified in 11 of 32106 proband chromosomes (frequency: 0.0003) from individuals or families with breast cancer and Lynch Syndrome and was present in 2 of 10484 control chromosomes (frequency: 0.0002) from healthy individuals (Easton 2016, Rummel 2017, Shirts 2016, Yurgelun 2015). The variant was also identified in the following databases: dbSNP (ID: rs201047375) as "With Uncertain significance allele", ClinVar (4x, uncertain significance), and Clinvitae (3x, uncertain significance). The variant was not identified in Cosmic, MutDB, or the Zhejiang Colon Cancer Database. The variant was identified in control databases in 30 of 277086 chromosomes at a frequency of 0.0001 increasing the likelihood this could be a low frequency variant (Genome Aggregation Database Feb 27, 2017). Breakdown of the observations by population include African in 1 of 24028 chromosomes (freq: 0.00004), other in 1 of 6460 chromosomes (freq: 0.0002), and European in 28 of 126622 chromosomes (freq: 0.0002). The variant was not observed in the Latino, Ashkenazi Jewish, EastAsian, Finnish, and South Asian populations. The p.Asp184 residue is conserved in mammals but not in more distantly related organisms, and four out of five computational analyses (PolyPhen-2, SIFT, AlignGVGD, BLOSUM, MutationTaster) suggest that the tyrosine variant may impact the protein; however, this information is not predictive enough to assume pathogenicity. The variant occurs outside of the splicing consensus sequence and 1 of 5 in silico or computational prediction software programs (SpliceSiteFinder, MaxEntScan, NNSPLICE, GeneSplicer, HumanSpliceFinder) predict a greater than 10% difference in splicing; this is not very predictive of pathogenicity. In summary, based on the above information the clinical significance of this variant cannot be determined with certainty at this time. This variant is classified as a variant of uncertain significance.

Literature cited by the submitters: PubMed 25980754 (cited by 6 submitters); PubMed 25186627 (cited by 7 submitters); PubMed 24755471 (cited by Women's Health and Genetics/Laboratory Corporation of America, LabCorp); PubMed 26689913 (cited by 3 submitters); PubMed 26845104 (cited by 6 submitters); PubMed 26921362 (cited by 6 submitters); PubMed 28503720 (cited by 7 submitters); PubMed 29335925 (cited by 6 submitters); PubMed 29360161 (cited by 3 submitters); PubMed 29368626 (cited by 5 submitters); PubMed 31159747 (cited by Women's Health and Genetics/Laboratory Corporation of America, LabCorp and Quest Diagnostics Nichols Institute San Juan Capistrano); PubMed 30230034 (cited by 7 submitters); PubMed 35534704 (cited by Labcorp Genetics (formerly Invitae), Labcorp and Quest Diagnostics Nichols Institute San Juan Capistrano); PubMed 35980532 (cited by Labcorp Genetics (formerly Invitae), Labcorp and Quest Diagnostics Nichols Institute San Juan Capistrano); PubMed 33471991 (cited by 3 submitters); DOI 10.3390/ijms26135928 (cited by Dipartimento Di Medicina Di Precisione, Università Degli Studi Della Campania Luigi Vanvitelli); PubMed 38060977 (cited by Quest Diagnostics Nichols Institute San Juan Capistrano); PubMed 38781545 (cited by Quest Diagnostics Nichols Institute San Juan Capistrano); PubMed 30613976 (cited by Quest Diagnostics Nichols Institute San Juan Capistrano and Sema4); PubMed 32885271 (cited by Quest Diagnostics Nichols Institute San Juan Capistrano); PubMed 37216690 (cited by Quest Diagnostics Nichols Institute San Juan Capistrano).